The following is an entry in ClinVar:

ClinVar aggregate classification (germline): Likely benign (1 of 4 stars; one submission).

Allele frequency attached by ClinVar (database versions not stated): 1000 Genomes Project 30x 0.00094; gnomAD exomes 0.00015; gnomAD 0.00109; 1000 Genomes Project 0.00060; TOPMed 0.00113.
gnomAD v4.1: 219 of 496,602 alleles (0.044%); highest among the groups gnomAD compares: African/African-American, 0.36%; no homozygotes.

Submission:

CeGaT Center for Human Genetics Tuebingen
Classification: Likely benign. Last evaluated: 2023-06-01. Review status: criteria provided, single submitter. Criteria: CeGaT Center For Human Genetics Tuebingen Variant Classification Criteria Version 2. Collection method: clinical testing. Allele origin: germline. Affected: yes. Observed: 1 variant allele.
Comment: GABRG2: BS1

NM_001375339.1(GABRG2):c.-375G>C

Gene: GABRG2 (gamma-aminobutyric acid type A receptor subunit gamma2; plus strand). Cytogenetic location: 5q34.
Variant type: single nucleotide variant.
Coding change: c.-375G>C on transcript NM_001375339.1; 375 bases upstream of the start codon, G replaced by C.
Molecular consequence: 5 prime UTR variant. On other transcripts: missense variant (1).
Genome position (GRCh38, 1-based): chr5:162,067,625, G>C. VCF-style: chr5-162067625-G-C. GRCh37 (hg19) VCF-style: chr5-161494631-G-C.
Other names: c.-375G>C (NM_001375340.1, NM_001375341.1, NM_001375342.1 and 2 more transcripts); c.-20G>C (NM_001375345.1, NM_001375346.1); c.4G>C, p.Asp2His (NM_001375347.1); c.-733G>C (NM_001375348.1, NM_001375350.1); c.-781G>C (NM_001375349.1); short protein forms D2H.
Identifiers: ClinVar variation 2571239 (VCV002571239.24), dbSNP rs373854070, ClinGen allele CA131108239.